The following is an entry in ClinVar:

ClinVar aggregate classification (germline): Uncertain significance. Review status: criteria provided, multiple submitters, no conflicts (2 of 4 stars). 2 submissions from 2 submitters: Uncertain significance (2). Last evaluated 2023-06-01.

Conditions:
Combined immunodeficiency due to MALT1 deficiency. Also called: Immunodeficiency 12. Identifiers: Orphanet 397964, MedGen C3809583, MONDO:0014197, OMIM 615468.

Allele frequency attached by ClinVar (database versions not stated): gnomAD exomes below 0.00001.

Submissions (2):

CeGaT Center for Human Genetics Tuebingen
Classification: Uncertain significance. Last evaluated: 2023-06-01. Review status: criteria provided, single submitter. Criteria: CeGaT Center For Human Genetics Tuebingen Variant Classification Criteria Version 2. Collection method: clinical testing. Allele origin: germline. Affected: yes. Observed: 1 variant allele.
Comment: MALT1: PM2, PM4

Labcorp Genetics (formerly Invitae), Labcorp
Classification: Uncertain significance for Combined immunodeficiency due to MALT1 deficiency. Last evaluated: 2022-03-19. Review status: criteria provided, single submitter. Criteria: Invitae Variant Classification Sherloc (09022015). Collection method: clinical testing. Allele origin: germline.
Comment: This sequence change disrupts the translational stop signal of the MALT1 mRNA. It is expected to extend the length of the MALT1 protein by 5 additional amino acid residues. This variant is not present in population databases (gnomAD no frequency). This variant has not been reported in the literature in individuals affected with MALT1-related conditions. In summary, the available evidence is currently insufficient to determine the role of this variant in disease. Therefore, it has been classified as a Variant of Uncertain Significance.

NM_006785.4(MALT1):c.2475A>C (p.Ter825Cys)

Gene: MALT1 (MALT1 paracaspase; plus strand). Cytogenetic location: 18q21.32.
Variant type: single nucleotide variant.
Coding change: c.2475A>C on transcript NM_006785.4 (MANE Select); coding-DNA position 2475, A replaced by C.
Protein change: p.Ter825Cys.
Molecular consequence: stop lost.
Genome position (GRCh38, 1-based): chr18:58,747,842, A>C. VCF-style: chr18-58747842-A-C. GRCh37 (hg19) VCF-style: chr18-56415074-A-C.
Other names: c.2442A>C, p.Ter814Cys (NM_173844.3).
Identifiers: ClinVar variation 1360436 (VCV001360436.28), dbSNP rs985258485, ClinGen allele CA300945789.